The following is an entry in ClinVar:

ClinVar aggregate classification (germline): Benign/Likely benign. Review status: criteria provided, multiple submitters, no conflicts (2 of 4 stars). 6 submissions from 6 submitters: Benign (2); Likely benign (4). Last evaluated 2025-12-08.

Conditions:
Hereditary cancer-predisposing syndrome. Also called: Hereditary Cancer Syndrome; Hereditary neoplastic syndrome; Neoplastic Syndromes, Hereditary; Tumor predisposition. Identifiers: Orphanet 140162, MedGen C0027672, MeSH D009386, MONDO:0015356.
Lynch syndrome 5 (LYNCH5). Also called: Hereditary non-polyposis colorectal cancer, type 5; Colorectal cancer, hereditary nonpolyposis, type 5. Identifiers: Orphanet 144, MedGen C1833477, MONDO:0013710, OMIM 614350. Disease mechanism: loss of function.
Hereditary nonpolyposis colorectal neoplasms. Identifiers: MedGen C0009405, MeSH D003123.

Allele frequency attached by ClinVar (database versions not stated): gnomAD 0.00001 and 0.00003; ExAC 0.00007; gnomAD exomes 0.00007; 1000 Genomes Project 30x 0.00016; 1000 Genomes Project 0.00020.
gnomAD v4.1: 46 of 1,614,160 alleles (0.0028%); highest among the groups gnomAD compares: South Asian, 0.047%; no homozygotes.

Submissions (6):

Labcorp Genetics (formerly Invitae), Labcorp
Classification: Likely benign for Hereditary nonpolyposis colorectal neoplasms. Last evaluated: 2025-12-08. Review status: criteria provided, single submitter. Criteria: Invitae Variant Classification Sherloc (09022015). Collection method: clinical testing. Allele origin: germline.

Myriad Genetics, Inc.
Classification: Benign for Lynch syndrome 5. Last evaluated: 2024-12-20. Review status: criteria provided, single submitter. Criteria: Myriad Autosomal Dominant, Autosomal Recessive and X-Linked Classification Criteria (2023). Collection method: clinical testing. Allele origin: unknown.
Comment: This variant is considered benign. This variant is a silent/synonymous amino acid change and it is not expected to impact splicing.

Women's Health and Genetics/Laboratory Corporation of America, LabCorp
Classification: Benign. Last evaluated: 2023-09-09. Review status: criteria provided, single submitter. Criteria: LabCorp Variant Classification Summary - May 2015. Collection method: clinical testing. Allele origin: germline.

Ambry Genetics
Classification: Likely benign for Hereditary cancer-predisposing syndrome. Last evaluated: 2022-04-19. Review status: criteria provided, single submitter. Criteria: Ambry Variant Classification Scheme 2023. Collection method: clinical testing. Allele origin: germline.

Color Diagnostics, LLC DBA Color Health
Classification: Likely benign for Hereditary cancer-predisposing syndrome. Last evaluated: 2018-07-31. Review status: criteria provided, single submitter. Criteria: ACMG Guidelines, 2015. Collection method: clinical testing. Allele origin: germline.

GeneDx
Classification: Likely benign. Last evaluated: 2016-06-02. Review status: criteria provided, single submitter. Criteria: GeneDx Variant Classification (06012015). Collection method: clinical testing. Allele origin: germline. Affected: yes.
Comment: This variant is considered likely benign or benign based on one or more of the following criteria: it is a conservative change, it occurs at a poorly conserved position in the protein, it is predicted to be benign by multiple in silico algorithms, and/or has population frequency not consistent with disease.

NM_000179.3(MSH6):c.846G>C (p.Val282=)

Gene: MSH6 (mutS homolog 6; plus strand). Cytogenetic location: 2p16.3.
Variant type: single nucleotide variant.
Coding change: c.846G>C on transcript NM_000179.3 (MANE Select); coding-DNA position 846, G replaced by C.
Protein change: p.Val282=; no amino-acid change (valine 282 retained).
Molecular consequence: synonymous variant. On other transcripts: 5 prime UTR variant (2).
Genome position (GRCh38, 1-based): chr2:47,798,829, G>C. VCF-style: chr2-47798829-G-C. GRCh37 (hg19) VCF-style: chr2-48025968-G-C.
Other names: c.456G>C, p.Val152= (NM_001281492.2); c.-61G>C (NM_001281493.2, NM_001281494.2).
Identifiers: ClinVar variation 386786 (VCV000386786.17), dbSNP rs573638836, ClinGen allele CA073504.